The following is an entry in ClinVar:

NM_024809.5(TCTN2):c.1865T>G (p.Ile622Ser)

Gene: TCTN2 (tectonic family member 2; plus strand). Cytogenetic location: 12q24.31.
Variant type: single nucleotide variant.
Coding change: c.1865T>G on transcript NM_024809.5 (MANE Select); coding-DNA position 1865, T replaced by G.
Protein change: p.Ile622Ser; replaces isoleucine 622 with serine.
Molecular consequence: missense variant.
Genome position (GRCh38, 1-based): chr12:123,706,821, T>G. VCF-style: chr12-123706821-T-G. GRCh37 (hg19) VCF-style: chr12-124191368-T-G.
Other names: c.1862T>G, p.Ile621Ser (NM_001143850.3); c.1730T>G, p.Ile577Ser (NM_001410989.1); c.1865T>G (NM_024809.4); short protein forms I621S, I622S, I577S.
Identifiers: ClinVar variation 3454365 (VCV003454365.2).

ClinVar aggregate classification (germline): Uncertain significance. Review status: criteria provided, multiple submitters, no conflicts (2 of 4 stars). 2 submissions from 2 submitters: Uncertain significance (2). Last evaluated 2026-03-31.

Conditions:
Inborn genetic diseases. Identifiers: MedGen C0950123, MeSH D030342.

gnomAD v4.1: 5 of 1,614,060 alleles (0.00031%); highest among the groups gnomAD compares: Admixed American, 0.0083%; no homozygotes.

Submissions (2):

GeneDx
Classification: Uncertain significance. Last evaluated: 2026-03-31. Review status: criteria provided, single submitter. Criteria: GeneDx Variant Classification Process June 2021. Collection method: clinical testing. Allele origin: germline.
Comment: Not observed at significant frequency in large population cohorts (gnomAD); In silico analysis supports that this missense variant has a deleterious effect on protein structure/function; Has not been previously published as pathogenic or benign to our knowledge

Ambry Genetics
Classification: Uncertain significance for Inborn genetic diseases. Last evaluated: 2024-08-01. Review status: criteria provided, single submitter. Criteria: Ambry Variant Classification Scheme 2023. Collection method: clinical testing. Allele origin: germline.